The following is an entry in ClinVar:

ClinVar aggregate classification (germline): Pathogenic (1 of 4 stars; one submission).

Conditions:
Angelman syndrome-like. Identifiers: MedGen CN128785.
Developmental and epileptic encephalopathy, 2 (DEE2). Also called: INFANTILE SPASM SYNDROME, X-LINKED 2; CDKL5 deficiency disorder. Identifiers: Orphanet 1934, Orphanet 3451, Orphanet 505652, MedGen C4750718, MONDO:0010396, OMIM 300672.

Submission:

Labcorp Genetics (formerly Invitae), Labcorp
Classification: Pathogenic for Developmental and epileptic encephalopathy, 2; Angelman syndrome-like. Last evaluated: 2022-08-10. Review status: criteria provided, single submitter. Criteria: Invitae Variant Classification Sherloc (09022015). Collection method: clinical testing. Allele origin: germline.
Comment: For these reasons, this variant has been classified as Pathogenic. Algorithms developed to predict the effect of sequence changes on RNA splicing suggest that this variant may disrupt the consensus splice site. ClinVar contains an entry for this variant (Variation ID: 582020). Disruption of this splice site has been observed in individual(s) with clinical features of CDKL5-related conditions (Invitae). In at least one individual the variant was observed to be de novo. This variant is not present in population databases (gnomAD no frequency). This sequence change affects a donor splice site in intron 5 of the CDKL5 gene. It is expected to disrupt RNA splicing. Variants that disrupt the donor or acceptor splice site typically lead to a loss of protein function (PMID: 16199547), and loss-of-function variants in CDKL5 are known to be pathogenic (PMID: 22872100).

Literature cited by the submitters: PubMed 16199547; PubMed 22872100.

NM_001323289.2(CDKL5):c.282+1G>T

Gene: CDKL5 (cyclin dependent kinase like 5; plus strand). Cytogenetic location: Xp22.13.
Variant type: single nucleotide variant.
Coding change: c.282+1G>T on transcript NM_001323289.2 (MANE Select); the canonical splice donor site of the intron after coding-DNA position 282, G replaced by T.
Molecular consequence: splice donor variant.
Genome position (GRCh38, 1-based): chrX:18,575,491, G>T. VCF-style: chrX-18575491-G-T. GRCh37 (hg19) VCF-style: chrX-18593611-G-T.
Other names: c.282+1G>T (NM_003159.3, NM_001037343.2).
Identifiers: ClinVar variation 582020 (VCV000582020.9), dbSNP rs1569213054, ClinGen allele CA412348934.